The following is an entry in ClinVar:

NM_006172.4(NPPA):c.110T>C (p.Leu37Pro)

Genes: NPPA (natriuretic peptide A; minus strand), NPPA-AS1 (NPPA antisense RNA 1; plus strand), LOC114827827 (VISTA enhancer hs2123; plus strand). Cytogenetic location: 1p36.22.
Variant type: single nucleotide variant.
Coding change: c.110T>C on transcript NM_006172.4 (MANE Select); coding-DNA position 110, T replaced by C.
Protein change: p.Leu37Pro; replaces leucine 37 with proline.
Molecular consequence: missense variant. On other transcripts: non-coding transcript variant (1).
Genome position (GRCh38, 1-based): chr1:11,847,575, A>G on the plus strand (T>C on the coding strand, the complement: NPPA is on the minus strand). VCF-style: chr1-11847575-A-G. GRCh37 (hg19) VCF-style: chr1-11907632-A-G.
Other names: short protein forms L37P.
Identifiers: ClinVar variation 2803679 (VCV002803679.3), dbSNP rs757501347, ClinGen allele CA597105.

ClinVar aggregate classification (germline): Uncertain significance (1 of 4 stars; one submission).

Conditions:
Atrial fibrillation, familial, 6 (ATFB6). Identifiers: MedGen C2677294, MONDO:0012816, OMIM 612201.

Allele frequency attached by ClinVar (database versions not stated): gnomAD 0.00001; gnomAD exomes below 0.00001; TOPMed below 0.00001; ExAC 0.00001.
gnomAD v4.1: 3 of 1,614,010 alleles (0.00019%); highest among the groups gnomAD compares: Admixed American, 0.0033%; no homozygotes.

Submission:

Labcorp Genetics (formerly Invitae), Labcorp
Classification: Uncertain significance for Atrial fibrillation, familial, 6. Last evaluated: 2025-08-04. Review status: criteria provided, single submitter. Criteria: Invitae Variant Classification Sherloc (09022015). Collection method: clinical testing. Allele origin: germline.
Comment: This sequence change replaces leucine, which is neutral and non-polar, with proline, which is neutral and non-polar, at codon 37 of the NPPA protein (p.Leu37Pro). This variant is present in population databases (rs757501347, gnomAD 0.003%). This variant has not been reported in the literature in individuals affected with NPPA-related conditions. ClinVar contains an entry for this variant (Variation ID: 2803679). An algorithm developed to predict the effect of missense changes on protein structure and function (PolyPhen-2) suggests that this variant is likely to be disruptive. In summary, the available evidence is currently insufficient to determine the role of this variant in disease. Therefore, it has been classified as a Variant of Uncertain Significance.